The following is an entry in ClinVar:

ClinVar aggregate classification (germline): Conflicting classifications of pathogenicity. Review status: criteria provided, conflicting classifications (1 of 4 stars). 2 submissions from 2 submitters: Uncertain significance (1); Likely benign (1). Last evaluated 2023-07-13.

Conditions:
Inborn genetic diseases. Identifiers: MedGen C0950123, MeSH D030342.
Neuronopathy, distal hereditary motor, type 7B. Also called: HMN VIIB; LOWER MOTOR NEURON DISEASE, DYNACTIN TYPE; NEURONOPATHY, DISTAL HEREDITARY MOTOR, AUTOSOMAL DOMINANT 14; NEURONOPATHY, DISTAL HEREDITARY MOTOR, HARDING TYPE VIIB; NEUROPATHY, DISTAL HEREDITARY MOTOR, HARDING TYPE VIIB; NEUROPATHY, DISTAL HEREDITARY MOTOR, WITH VOCAL CORD PARALYSIS, HARDING TYPE VIIB. Identifiers: Orphanet 139589, MedGen C1843315, MONDO:0011879, OMIM 607641.
Perry syndrome. Also called: PARKINSONISM WITH ALVEOLAR HYPOVENTILATION AND MENTAL DEPRESSION. Identifiers: Orphanet 178509, MedGen C1868594, MONDO:0008201, OMIM 168605.
Amyotrophic lateral sclerosis type 1 (ALS1). Also called: AMYOTROPHIC LATERAL SCLEROSIS 1, FAMILIAL. Identifiers: Orphanet 803, MedGen C1862939, MONDO:0007103, OMIM 105400.

gnomAD v4.1: 1 of 1,611,698 alleles (0.000062%); no homozygotes.

Submissions (2):

Ambry Genetics
Classification: Uncertain significance for Inborn genetic diseases. Last evaluated: 2023-07-13. Review status: criteria provided, single submitter. Criteria: Ambry Variant Classification Scheme 2023. Collection method: clinical testing. Allele origin: germline.
Comment: The c.280-5C>T intronic alteration consists of a C to T substitution 5 nucleotides before exon 3 (coding exon 3) in the DCTN1 gene. Based on insufficient or conflicting evidence, the clinical significance of this alteration remains unclear.

Labcorp Genetics (formerly Invitae), Labcorp
Classification: Likely benign for Amyotrophic lateral sclerosis type 1; Neuronopathy, distal hereditary motor, type 7B; Perry syndrome. Last evaluated: 2019-07-30. Review status: criteria provided, single submitter. Criteria: Invitae Variant Classification Sherloc (09022015). Collection method: clinical testing. Allele origin: germline.

NM_004082.5(DCTN1):c.280-5C>T

Gene: DCTN1 (dynactin subunit 1; minus strand). Cytogenetic location: 2p13.1.
Variant type: single nucleotide variant.
Coding change: c.280-5C>T on transcript NM_004082.5 (MANE Select); 5 bases into the intron before coding-DNA position 280, C replaced by T.
Molecular consequence: intron variant.
Genome position (GRCh38, 1-based): chr2:74,377,731, G>A on the plus strand (C>T on the coding strand, the complement: DCTN1 is on the minus strand). VCF-style: chr2-74377731-G-A. GRCh37 (hg19) VCF-style: chr2-74604858-G-A.
Other names: c.229-5C>T (NM_001190836.2, NM_001378992.1, NM_001378991.1); c.280-5C>T (NM_001135040.3, NM_001190837.2, NM_004082.4).
Identifiers: ClinVar variation 1140099 (VCV001140099.11), dbSNP rs1675307447, ClinGen allele CA1261398783.